The following is an entry in ClinVar:

NM_172107.4(KCNQ2):c.94C>G (p.Pro32Ala)

Gene: KCNQ2 (potassium voltage-gated channel subfamily Q member 2; minus strand). Cytogenetic location: 20q13.33.
Variant type: single nucleotide variant.
Coding change: c.94C>G on transcript NM_172107.4 (MANE Select); coding-DNA position 94, C replaced by G.
Protein change: p.Pro32Ala; replaces proline 32 with alanine.
Molecular consequence: missense variant.
Genome position (GRCh38, 1-based): chr20:63,472,370, G>C on the plus strand (C>G on the coding strand, the complement: KCNQ2 is on the minus strand). VCF-style: chr20-63472370-G-C. GRCh37 (hg19) VCF-style: chr20-62103723-G-C.
Other names: c.94C>G, p.Pro32Ala (NM_001382235.1, NM_004518.6, NM_172106.3 and 2 more transcripts); short protein forms P32A.
Identifiers: ClinVar variation 1708673 (VCV001708673.2), dbSNP rs2516746057, ClinGen allele CA409635772.
Genomic context (GRCh38, chr20:63,472,370, plus strand): 5'-TGCCGCGCTTGGGGGCCTCGGAGCCGGCGATCAGCAGCGCCCCGTCCCGGGTGGAGTCGG[G>C]CGCGCCGGGGTCCAGCCCCACGAAGCCCACCTTCAGCTTCTTCTCCCCGCTCGGGCCGGG-3'
Protein context (NP_742105.1, residues 22-42): VGFVGLDPGA[Pro32Ala]DSTRDGALLI

ClinVar aggregate classification (germline): Uncertain significance (1 of 4 stars; one submission).

Submission:

GeneDx
Classification: Uncertain significance. Last evaluated: 2022-04-08. Review status: criteria provided, single submitter. Criteria: GeneDx Variant Classification Process June 2021. Collection method: clinical testing. Allele origin: germline. Affected: yes.
Comment: Not observed at significant frequency in large population cohorts (gnomAD); Missense variants in this gene are often considered pathogenic (HGMD); In silico analysis supports that this missense variant does not alter protein structure/function; This substitution is predicted to be within the N-terminal cytoplasmic domain; Has not been previously published as pathogenic or benign to our knowledge